The following is an entry in ClinVar:

ClinVar aggregate classification (germline): Uncertain significance. Review status: criteria provided, multiple submitters, no conflicts (2 of 4 stars). 2 submissions from 2 submitters: Uncertain significance (2). Last evaluated 2025-05-18.

Allele frequency attached by ClinVar (database versions not stated): gnomAD exomes below 0.00001.
gnomAD v4.1: 1 of 1,614,196 alleles (0.000062%); highest among the groups gnomAD compares: Non-Finnish European, 0.000085%; no homozygotes.

Submissions (2):

GeneDx
Classification: Uncertain significance. Last evaluated: 2025-05-18. Review status: criteria provided, single submitter. Criteria: GeneDx Variant Classification Process June 2021. Collection method: clinical testing. Allele origin: germline. Affected: yes.
Comment: Not observed at significant frequency in large population cohorts (gnomAD); In silico analysis supports that this missense variant has a deleterious effect on protein structure/function; Has not been previously published as pathogenic or benign to our knowledge

Labcorp Genetics (formerly Invitae), Labcorp
Classification: Uncertain significance. Last evaluated: 2023-09-17. Review status: criteria provided, single submitter. Criteria: Invitae Variant Classification Sherloc (09022015). Collection method: clinical testing. Allele origin: germline.
Comment: In summary, the available evidence is currently insufficient to determine the role of this variant in disease. Therefore, it has been classified as a Variant of Uncertain Significance. This sequence change replaces aspartic acid, which is acidic and polar, with glycine, which is neutral and non-polar, at codon 158 of the SNRNP200 protein (p.Asp158Gly). Advanced modeling of protein sequence and biophysical properties (such as structural, functional, and spatial information, amino acid conservation, physicochemical variation, residue mobility, and thermodynamic stability) has been performed at Invitae for this missense variant, however the output from this modeling did not meet the statistical confidence thresholds required to predict the impact of this variant on SNRNP200 protein function. This variant has not been reported in the literature in individuals affected with SNRNP200-related conditions. This variant is not present in population databases (gnomAD no frequency).

NM_014014.5(SNRNP200):c.473A>G (p.Asp158Gly)

Gene: SNRNP200 (small nuclear ribonucleoprotein U5 subunit 200; minus strand). Cytogenetic location: 2q11.2.
Variant type: single nucleotide variant.
Coding change: c.473A>G on transcript NM_014014.5 (MANE Select); coding-DNA position 473, A replaced by G.
Protein change: p.Asp158Gly; replaces aspartic acid 158 with glycine.
Molecular consequence: missense variant.
Genome position (GRCh38, 1-based): chr2:96,301,625, T>C on the plus strand (A>G on the coding strand, the complement: SNRNP200 is on the minus strand). VCF-style: chr2-96301625-T-C. GRCh37 (hg19) VCF-style: chr2-96967363-T-C.
Other names: c.473A>G (NM_014014.4); short protein forms D158G.
Identifiers: ClinVar variation 2801428 (VCV002801428.4), dbSNP rs2467357575, ClinGen allele CA347688084.